The following is an entry in ClinVar:

ClinVar aggregate classification (germline): Likely benign. Review status: criteria provided, multiple submitters, no conflicts (2 of 4 stars). 4 submissions from 4 submitters: Likely benign (3). 1 of the submissions does not count toward it. Last evaluated 2025-08-30.

Conditions:
Hereditary cancer-predisposing syndrome. Also called: Hereditary neoplastic syndrome; Tumor predisposition; Hereditary Cancer Syndrome; Neoplastic Syndromes, Hereditary. Identifiers: Orphanet 140162, MedGen C0027672, MeSH D009386, MONDO:0015356.
RET-related disorder. Also called: RET-related disorders; RET-related condition; RET-related disease.
Multiple endocrine neoplasia, type 2 (MEN2). Identifiers: Orphanet 653, MedGen C4048306, MONDO:0019003. Disease mechanism: gain of function.

Allele frequency attached by ClinVar (database versions not stated): TOPMed 0.00001.
gnomAD v4.1: 8 of 1,614,086 alleles (0.0005%); highest among the groups gnomAD compares: Admixed American, 0.0017%; no homozygotes.

Submissions (4):

Labcorp Genetics (formerly Invitae), Labcorp
Classification: Likely benign for Multiple endocrine neoplasia, type 2. Last evaluated: 2025-08-30. Review status: criteria provided, single submitter. Criteria: Invitae Variant Classification Sherloc (09022015). Collection method: clinical testing. Allele origin: germline.

Color Diagnostics, LLC DBA Color Health
Classification: Likely benign for Multiple endocrine neoplasia, type 2. Last evaluated: 2024-03-19. Review status: criteria provided, single submitter. Criteria: ACMG Guidelines, 2015. Collection method: clinical testing. Allele origin: germline.

Ambry Genetics
Classification: Likely benign for Hereditary cancer-predisposing syndrome. Last evaluated: 2018-03-07. Review status: criteria provided, single submitter. Criteria: Ambry Variant Classification Scheme 2023. Collection method: clinical testing. Allele origin: germline.

PreventionGenetics, part of Exact Sciences
Classification: Likely benign for RET-related condition. Last evaluated: 2020-04-24. Review status: no assertion criteria provided. Collection method: clinical testing. Allele origin: germline. Not counted in ClinVar's aggregate classification.
Comment: This variant is classified as likely benign based on ACMG/AMP sequence variant interpretation guidelines (Richards et al. 2015 PMID: 25741868, with internal and published modifications).

NM_020975.6(RET):c.3141C>G (p.Pro1047=)

Gene: RET (ret proto-oncogene; plus strand). Cytogenetic location: 10q11.21.
Variant type: single nucleotide variant.
Coding change: c.3141C>G on transcript NM_020975.6 (MANE Select); coding-DNA position 3141, C replaced by G.
Protein change: p.Pro1047=; no amino-acid change (proline 1047 retained).
Molecular consequence: synonymous variant. On other transcripts: intron variant (4).
Genome position (GRCh38, 1-based): chr10:43,126,676, C>G. VCF-style: chr10-43126676-C-G. GRCh37 (hg19) VCF-style: chr10-43622124-C-G.
Other names: c.3141C>G, p.Pro1047= (NM_000323.2, NM_001406743.1, NM_001406744.1 and 2 more transcripts); c.2379C>G, p.Pro793= (NM_001355216.2); c.3012C>G, p.Pro1004= (NM_001406761.1, NM_001406762.1, NM_001406764.1); c.3006C>G, p.Pro1002= (NM_001406763.1, NM_001406765.1); c.2853C>G, p.Pro951= (NM_001406766.1, NM_001406767.1, NM_001406770.1); c.2877C>G, p.Pro959= (NM_001406768.1); c.2745C>G, p.Pro915= (NM_001406769.1, NM_001406772.1); c.2703C>G, p.Pro901= (NM_001406771.1, NM_001406773.1); and 13 more.
Identifiers: ClinVar variation 727081 (VCV000727081.16), dbSNP rs372673589, ClinGen allele CA469032594.